The following is an entry in ClinVar:

NM_006502.3(POLH):c.2007A>G (p.Ser669=)

Gene: POLH (DNA polymerase eta; plus strand). Cytogenetic location: 6p21.1.
Variant type: single nucleotide variant.
Coding change: c.2007A>G on transcript NM_006502.3 (MANE Select); coding-DNA position 2007, A replaced by G.
Protein change: p.Ser669=; no amino-acid change (serine 669 retained).
Molecular consequence: synonymous variant. On other transcripts: 3 prime UTR variant (1).
Genome position (GRCh38, 1-based): chr6:43,614,422, A>G. VCF-style: chr6-43614422-A-G. GRCh37 (hg19) VCF-style: chr6-43582159-A-G.
Other names: c.1635A>G, p.Ser545= (NM_001291969.2); c.*691A>G (NM_001291970.2).
Identifiers: ClinVar variation 2656608 (VCV002656608.27), dbSNP rs61756402, ClinGen allele CA3827344.
Genomic context (GRCh38, chr6:43,614,422, plus strand): 5'-ACACATGGACTATCATTTTGCATTGGAGTTGCAGAAATCCTTTTTGCAGCCCCACTCTTC[A>G]AACCCCCAGGTTGTTTCTGCCGTATCTCATCAAGGCAAAAGAAATCCCAAGAGCCCTTTG-3'
Protein context (NP_006493.1, residues 659-679): LQKSFLQPHS[Ser669=]NPQVVSAVSH

ClinVar aggregate classification (germline): Likely benign. Review status: criteria provided, multiple submitters, no conflicts (2 of 4 stars). 3 submissions from 3 submitters: Likely benign (2). 1 of the submissions does not count toward it. Last evaluated 2026-07-01.

Conditions:
POLH-related disorder. Also called: POLH-related condition.

Allele frequency attached by ClinVar (database versions not stated): gnomAD 0.00013; TOPMed 0.00015; ExAC 0.00016; gnomAD exomes 0.00018; ESP Exome Variant Server 0.00038.
gnomAD v4.1: 290 of 1,614,056 alleles (0.018%); highest among the groups gnomAD compares: Non-Finnish European, 0.022%; no homozygotes.

Submissions (3):

CeGaT Center for Human Genetics Tuebingen
Classification: Likely benign. Last evaluated: 2026-07-01. Review status: criteria provided, single submitter. Criteria: CeGaT Center For Human Genetics Tuebingen Variant Classification Criteria Version 2. Collection method: clinical testing. Allele origin: germline. Affected: yes. Observed: 7 variant alleles.
Comment: POLH: BP4, BP7

Labcorp Genetics (formerly Invitae), Labcorp
Classification: Likely benign. Last evaluated: 2026-01-19. Review status: criteria provided, single submitter. Criteria: Invitae Variant Classification Sherloc (09022015). Collection method: clinical testing. Allele origin: germline.

PreventionGenetics, part of Exact Sciences
Classification: Likely benign for POLH-related condition. Last evaluated: 2020-01-08. Review status: no assertion criteria provided. Collection method: clinical testing. Allele origin: germline. Not counted in ClinVar's aggregate classification.
Comment: This variant is classified as likely benign based on ACMG/AMP sequence variant interpretation guidelines (Richards et al. 2015 PMID: 25741868, with internal and published modifications).